The following is an entry in ClinVar:

ClinVar aggregate classification (germline): Uncertain significance. Review status: criteria provided, multiple submitters, no conflicts (2 of 4 stars). 2 submissions from 2 submitters: Uncertain significance (2). Last evaluated 2024-12-08.

Conditions:
Inborn genetic diseases. Identifiers: MedGen C0950123, MeSH D030342.
Fanconi anemia (FA). Also called: Fanconi's anemia. Identifiers: Orphanet 84, MedGen C0015625, MeSH D005199, MONDO:0019391.

Allele frequency attached by ClinVar (database versions not stated): gnomAD exomes below 0.00001; gnomAD 0.00001 and 0.00002; TOPMed 0.00003.
gnomAD v4.1: 4 of 1,611,764 alleles (0.00025%); highest among the groups gnomAD compares: Admixed American, 0.0033%; no homozygotes.

Submissions (2):

Ambry Genetics
Classification: Uncertain significance for Inborn genetic diseases. Last evaluated: 2024-12-08. Review status: criteria provided, single submitter. Criteria: Ambry Variant Classification Scheme 2023. Collection method: clinical testing. Allele origin: germline.
Comment: The p.P327L variant (also known as c.980C>T), located in coding exon 5 of the FANCM gene, results from a C to T substitution at nucleotide position 980. The proline at codon 327 is replaced by leucine, an amino acid with similar properties. This amino acid position is conserved. In addition, this alteration is predicted to be tolerated by in silico analysis. Based on the available evidence, the clinical significance of this variant remains unclear.

Labcorp Genetics (formerly Invitae), Labcorp
Classification: Uncertain significance for Fanconi anemia. Last evaluated: 2019-11-10. Review status: criteria provided, single submitter. Criteria: Invitae Variant Classification Sherloc (09022015). Collection method: clinical testing. Allele origin: germline.
Comment: This variant is not present in population databases (ExAC no frequency). This sequence change replaces proline with leucine at codon 327 of the FANCM protein (p.Pro327Leu). The proline residue is weakly conserved and there is a moderate physicochemical difference between proline and leucine. This variant has not been reported in the literature in individuals with FANCM-related conditions. Algorithms developed to predict the effect of missense changes on protein structure and function (SIFT, PolyPhen-2, Align-GVGD) all suggest that this variant is likely to be tolerated, but these predictions have not been confirmed by published functional studies and their clinical significance is uncertain. In summary, the available evidence is currently insufficient to determine the role of this variant in disease. Therefore, it has been classified as a Variant of Uncertain Significance.

NM_020937.4(FANCM):c.980C>T (p.Pro327Leu)

Gene: FANCM (FA complementation group M; plus strand). Cytogenetic location: 14q21.2.
Variant type: single nucleotide variant.
Coding change: c.980C>T on transcript NM_020937.4 (MANE Select); coding-DNA position 980, C replaced by T.
Protein change: p.Pro327Leu; replaces proline 327 with leucine.
Molecular consequence: missense variant.
Genome position (GRCh38, 1-based): chr14:45,151,458, C>T. VCF-style: chr14-45151458-C-T. GRCh37 (hg19) VCF-style: chr14-45620661-C-T.
Other names: c.902C>T, p.Pro301Leu (NM_001308133.2); c.980C>T, p.Pro327Leu (NM_001308134.2); short protein forms P301L, P327L.
Identifiers: ClinVar variation 955994 (VCV000955994.9), dbSNP rs879849364, ClinGen allele CA259614349.